The following is an entry in ClinVar:

ClinVar aggregate classification (germline): Pathogenic (1 of 4 stars; one submission).

Conditions:
Duchenne muscular dystrophy (DMD). Also called: Duchenne Muscular Dystrophy (DMD); MUSCULAR DYSTROPHY, PSEUDOHYPERTROPHIC PROGRESSIVE, DUCHENNE TYPE. Identifiers: Orphanet 98896, MedGen C0013264, MONDO:0010679, OMIM 310200.

Submission:

Labcorp Genetics (formerly Invitae), Labcorp
Classification: Pathogenic for Duchenne muscular dystrophy. Last evaluated: 2019-05-09. Review status: criteria provided, single submitter. Criteria: Invitae Variant Classification Sherloc (09022015). Collection method: clinical testing. Allele origin: germline.
Comment: This variant results in a copy number gain of the genomic region encompassing exon 52 of the DMD gene. While the exact position of this variant cannot be determined from this data, sub-genic copy number gains are generally in tandem (PMID: 25640679) and may result in an absent or disrupted protein product. This variant has been observed in several individuals affected with Duchenne muscular dystrophy (PMID: 20381484, 23818053, 28116794, 28610567). Loss-of-function variants in DMD are known to be pathogenic (PMID: 16770791, 25007885). For these reasons, this variant has been classified as Pathogenic.

Literature cited by the submitters: PubMed 28610567; PubMed 28116794; PubMed 20381484; PubMed 23818053.

NC_000023.11:g.(?_31729621)_(31729758_?)dup

Gene: DMD (dystrophin; minus strand). Cytogenetic location: Xp21.1.
Variant type: Duplication.
Identifiers: ClinVar variation 832306 (VCV000832306.1).